The following is an entry in ClinVar:

ClinVar aggregate classification (germline): Uncertain significance (1 of 4 stars; one submission).

Submission:

Labcorp Genetics (formerly Invitae), Labcorp
Classification: Uncertain significance. Last evaluated: 2025-03-17. Review status: criteria provided, single submitter. Criteria: Invitae Variant Classification Sherloc (09022015). Collection method: clinical testing. Allele origin: germline.
Comment: This variant, c.159_185dup, results in the insertion of 9 amino acid(s) of the RUNX2 protein (p.Gln63_Gln71dup), but otherwise preserves the integrity of the reading frame. The frequency data for this variant in the population databases is considered unreliable, as metrics indicate poor data quality at this position in the gnomAD database. This variant has not been reported in the literature in individuals affected with RUNX2-related conditions. ClinVar contains an entry for this variant (Variation ID: 1444467). Experimental studies and prediction algorithms are not available or were not evaluated, and the functional significance of this variant is currently unknown. In summary, the available evidence is currently insufficient to determine the role of this variant in disease. Therefore, it has been classified as a Variant of Uncertain Significance.

NM_001024630.4(RUNX2):c.159_185dup (p.Gln63_Gln71dup)

Gene: RUNX2 (RUNX family transcription factor 2; plus strand). Cytogenetic location: 6p21.1.
Variant type: Duplication.
Coding change: c.159_185dup on transcript NM_001024630.4 (MANE Select); coding-DNA positions 159 to 185, 27 bases duplicated (ACAGCAGCAGCAGCAACAGCAGCAGCA).
Protein change: p.Gln63_Gln71dup.
Molecular consequence: inframe insertion.
Genome position (GRCh38, 1-based): chr6:45,422,693-45,422,719, ACAGCAGCAGCAGCAACAGCAGCAGCA duplicated; duplicating any 27 consecutive bases within chr6:45,422,678-45,422,719 gives the same sequence; the c. name uses the placement nearest the transcript's 3' end. VCF-style (leftmost placement, unchanged base first): chr6-45422677-C-CGCAACAGCAGCAGCAACAGCAGCAGCA. GRCh37 (hg19) VCF-style: chr6-45390414-C-CGCAACAGCAGCAGCAACAGCAGCAGCA.
Other names: c.159_185dup, p.Gln63_Gln71dup (NM_001015051.4); c.117_143dup, p.Gln49_Gln57dup (NM_001278478.2, NM_001369405.1).
Identifiers: ClinVar variation 1444467 (VCV001444467.8), dbSNP rs747537373, ClinGen allele CA567156235.